The following is an entry in ClinVar:

ClinVar aggregate classification (germline): Uncertain significance. Review status: criteria provided, single submitter (1 of 4 stars). 2 submissions from 2 submitters: Uncertain significance (1). 1 of the submissions does not count toward it. Last evaluated 2025-02-19.

Conditions:
Autosomal recessive nonsyndromic hearing loss 4 (DFNB4). Also called: FOXI1-Related Pendred Syndrome; KCNJ10-Related Pendred Syndrome; DEAFNESS, AUTOSOMAL RECESSIVE 4, WITH ENLARGED VESTIBULAR AQUEDUCT, DIGENIC; Enlarged vestibular aqueduct, digenic; Nonsyndromic enlarged vestibular aqueduct (NSEVA); Deafness, autosomal recessive 4, with enlarged vestibular aqueduct. Identifiers: Orphanet 90636, MedGen C3538946, MONDO:0010933, OMIM 600791.

Submissions (2):

Women's Health and Genetics/Laboratory Corporation of America, LabCorp
Classification: Uncertain significance. Last evaluated: 2025-02-19. Review status: criteria provided, single submitter. Criteria: LabCorp Variant Classification Summary - May 2015. Collection method: clinical testing. Allele origin: germline.
Comment: Variant summary: SLC26A4 c.1657C>T (p.Pro553Ser) results in a non-conservative amino acid change located in the STAS domain (IPR002645) of the encoded protein sequence. Four of five in-silico tools predict a damaging effect of the variant on protein function. The variant was absent in 250888 control chromosomes. The available data on variant occurrences in the general population are insufficient to allow any conclusion about variant significance. c.1657C>T has been reported in the literature in at least one individual affected with Pendred Syndrome (e.g., Wu_2022). These data do not allow any conclusion about variant significance. To our knowledge, no experimental evidence demonstrating an impact on protein function has been reported. The following publication has been ascertained in the context of this evaluation (PMID: 35982127). ClinVar contains an entry for this variant (Variation ID: 1185692). Based on the evidence outlined above, the variant was classified as uncertain significance.

Deafness Molecular Diagnostic Center, Chinese PLA General Hospital
Classification: Likely pathogenic for Autosomal recessive nonsyndromic hearing loss 4. Review status: no assertion criteria provided. Criteria: ACMG Guidelines, 2015. Collection method: case-control. Allele origin: paternal. Affected: yes. Not counted in ClinVar's aggregate classification.

Literature cited by the submitters: PubMed 35982127 (cited by Women's Health and Genetics/Laboratory Corporation of America, LabCorp).

NM_000441.2(SLC26A4):c.1657C>T (p.Pro553Ser)

Gene: SLC26A4 (solute carrier family 26 member 4; plus strand). Cytogenetic location: 7q22.3.
Variant type: single nucleotide variant.
Coding change: c.1657C>T on transcript NM_000441.2 (MANE Select); coding-DNA position 1657, C replaced by T.
Protein change: p.Pro553Ser; replaces proline 553 with serine.
Molecular consequence: missense variant.
Genome position (GRCh38, 1-based): chr7:107,700,125, C>T. VCF-style: chr7-107700125-C-T. GRCh37 (hg19) VCF-style: chr7-107340570-C-T.
Other names: short protein forms P553S.
Identifiers: ClinVar variation 1185692 (VCV001185692.2), dbSNP rs2129317904, ClinGen allele CA368842178.